The following is an entry in ClinVar:

ClinVar aggregate classification (germline): Uncertain significance. Review status: criteria provided, multiple submitters, no conflicts (2 of 4 stars). 3 submissions from 3 submitters: Uncertain significance (3). Last evaluated 2026-06-29.

Conditions:
MED12-Related Disorders. Also called: MED12-related condition; MED12-related disorder. Identifiers: MedGen CN381102.
FG syndrome (FGS). Identifiers: MedGen C0220769, MONDO:0002010.

Allele frequency attached by ClinVar (database versions not stated): TOPMed 0.00002.

Submissions (3):

PreventionGenetics, part of Exact Sciences
Classification: Uncertain significance for MED12-related condition. Last evaluated: 2026-06-29. Review status: criteria provided, single submitter. Criteria: ACMG Guidelines, 2015. Collection method: clinical testing. Allele origin: germline.
Comment: The MED12 c.1930C>A variant is predicted to result in the amino acid substitution p.Pro644Thr. To our knowledge, this variant has not been reported in the literature or in a large population database (gnomAD), indicating this variant is rare. At this time, the clinical significance of this variant is uncertain due to the absence of conclusive functional and genetic evidence.

Labcorp Genetics (formerly Invitae), Labcorp
Classification: Uncertain significance for FG syndrome. Last evaluated: 2023-12-26. Review status: criteria provided, single submitter. Criteria: Invitae Variant Classification Sherloc (09022015). Collection method: clinical testing. Allele origin: germline.
Comment: This sequence change replaces proline, which is neutral and non-polar, with threonine, which is neutral and polar, at codon 644 of the MED12 protein (p.Pro644Thr). This variant is not present in population databases (gnomAD no frequency). This variant has not been reported in the literature in individuals affected with MED12-related conditions. ClinVar contains an entry for this variant (Variation ID: 917815). Advanced modeling of protein sequence and biophysical properties (such as structural, functional, and spatial information, amino acid conservation, physicochemical variation, residue mobility, and thermodynamic stability) performed at Invitae indicates that this missense variant is not expected to disrupt MED12 protein function with a negative predictive value of 95%. In summary, the available evidence is currently insufficient to determine the role of this variant in disease. Therefore, it has been classified as a Variant of Uncertain Significance.

Women's Health and Genetics/Laboratory Corporation of America, LabCorp
Classification: Uncertain significance. Last evaluated: 2020-04-07. Review status: criteria provided, single submitter. Criteria: LabCorp Variant Classification Summary - May 2015. Collection method: clinical testing. Allele origin: germline.
Comment: Variant summary: MED12 c.1930C>A (p.Pro644Thr) results in a non-conservative amino acid change located in the Mediator complex, subunit Med12, LCEWAV-domain (IPR021990) of the encoded protein sequence. Four of five in-silico tools predict a benign effect of the variant on protein function. The variant was absent in 175919 control chromosomes (gnomAD). The available data on variant occurrences in the general population are insufficient to allow any conclusion about variant significance. To our knowledge, no occurrence of c.1930C>A in individuals affected with Lujan Syndrome and no experimental evidence demonstrating its impact on protein function have been reported. No clinical diagnostic laboratories have submitted clinical-significance assessments for this variant to ClinVar after 2014. Based on the evidence outlined above, the variant was classified as uncertain significance.

NM_005120.3(MED12):c.1930C>A (p.Pro644Thr)

Gene: MED12 (mediator complex subunit 12; plus strand). Cytogenetic location: Xq13.1.
Variant type: single nucleotide variant.
Coding change: c.1930C>A on transcript NM_005120.3 (MANE Select); coding-DNA position 1930, C replaced by A.
Protein change: p.Pro644Thr; replaces proline 644 with threonine.
Molecular consequence: missense variant.
Genome position (GRCh38, 1-based): chrX:71,124,344, C>A. VCF-style: chrX-71124344-C-A. GRCh37 (hg19) VCF-style: chrX-70344194-C-A.
Other names: short protein forms P644T.
Identifiers: ClinVar variation 917815 (VCV000917815.12), dbSNP rs950787066, ClinGen allele CA413509961.